The following is an entry in ClinVar:

NM_001379110.1(SLC9A6):c.563C>T (p.Thr188Met)

Gene: SLC9A6 (solute carrier family 9 member A6; plus strand). Cytogenetic location: Xq26.3.
Variant type: single nucleotide variant.
Coding change: c.563C>T on transcript NM_001379110.1 (MANE Select); coding-DNA position 563, C replaced by T.
Protein change: p.Thr188Met; replaces threonine 188 with methionine.
Molecular consequence: missense variant.
Genome position (GRCh38, 1-based): chrX:135,998,894, C>T. VCF-style: chrX-135998894-C-T. GRCh37 (hg19) VCF-style: chrX-135081053-C-T.
Other names: p.T208M:ACG>ATG; c.719C>T, p.Thr240Met (NM_001042537.2); c.563C>T, p.Thr188Met (NM_001177651.2); c.467C>T, p.Thr156Met (NM_001330652.2); c.623C>T, p.Thr208Met (NM_006359.3); short protein forms T208M, T240M, T188M, T156M.
Identifiers: ClinVar variation 207252 (VCV000207252.12), dbSNP rs372747388, ClinGen allele CA318544.
Genomic context (GRCh38, chrX:135,998,894, plus strand): 5'-TAGGACTGTGTTTATTGAACAGGTCAATAATGTATGGCTGTGTAACGCTGATGAAGGTAA[C>T]GGGACAACTTGCAGGAGATTTTTACTTTACAGATTGCCTACTGTTTGGTGCCATTGTATC-3'
Protein context (NP_001366039.1, residues 178-198): MYGCVTLMKV[Thr188Met]GQLAGDFYFT

ClinVar aggregate classification (germline): Uncertain significance. Review status: criteria provided, multiple submitters, no conflicts (2 of 4 stars). 2 submissions from 2 submitters: Uncertain significance (2). Last evaluated 2025-08-27.

Conditions:
Christianson syndrome (MRXSCH). Also called: SLC9A6-Related Syndromic Mental Retardation; INTELLECTUAL DEVELOPMENTAL DISORDER, X-LINKED, SYNDROMIC, CHRISTIANSON TYPE; X-linked mental retardation, syndromic, Christianson type. Identifiers: Orphanet 85278, MedGen C2678194, MONDO:0010278, OMIM 300243.

Allele frequency attached by ClinVar (database versions not stated): gnomAD exomes below 0.00001; TOPMed below 0.00001; ExAC 0.00002; ESP Exome Variant Server 0.00009.
gnomAD v4.1: 5 of 1,208,473 alleles (0.00041%); highest among the groups gnomAD compares: South Asian, 0.0035%; no homozygotes.

Submissions (2):

GeneDx
Classification: Uncertain significance. Last evaluated: 2025-08-27. Review status: criteria provided, single submitter. Criteria: GeneDx Variant Classification Process June 2021. Collection method: clinical testing. Allele origin: germline. Affected: yes.
Comment: Not observed at significant frequency in large population cohorts (gnomAD); In silico analysis suggests that this missense variant does not alter protein structure/function; Has not been previously published as pathogenic or benign to our knowledge

Labcorp Genetics (formerly Invitae), Labcorp
Classification: Uncertain significance for Christianson syndrome. Last evaluated: 2023-12-11. Review status: criteria provided, single submitter. Criteria: Invitae Variant Classification Sherloc (09022015). Collection method: clinical testing. Allele origin: germline.
Comment: This sequence change replaces threonine, which is neutral and polar, with methionine, which is neutral and non-polar, at codon 208 of the SLC9A6 protein (p.Thr208Met). The frequency data for this variant in the population databases is considered unreliable, as metrics indicate poor data quality at this position in the gnomAD database. This variant has not been reported in the literature in individuals affected with SLC9A6-related conditions. ClinVar contains an entry for this variant (Variation ID: 207252). An algorithm developed to predict the effect of missense changes on protein structure and function (PolyPhen-2) suggests that this variant is likely to be tolerated. In summary, the available evidence is currently insufficient to determine the role of this variant in disease. Therefore, it has been classified as a Variant of Uncertain Significance.